The following is an entry in ClinVar:

ClinVar aggregate classification (germline): Pathogenic/Likely pathogenic. Review status: criteria provided, multiple submitters, no conflicts (2 of 4 stars). 6 submissions from 6 submitters: Pathogenic (4); Likely pathogenic (2). Last evaluated 2025-10-20.

Conditions:
Intellectual developmental disorder, autosomal dominant 30, with speech delay and behavioral abnormalities. Also called: Intellectual disability, autosomal dominant 30. Identifiers: Orphanet 436151, MedGen C4015167, MONDO:0014486, OMIM 616083.
Inborn genetic diseases. Identifiers: MedGen C0950123, MeSH D030342.
ZMYND11-related disorder. Also called: ZMYND11-related condition.

Allele frequency attached by ClinVar (database versions not stated): gnomAD exomes below 0.00001 and 0.00001; ExAC 0.00001.

Submissions (6):

Labcorp Genetics (formerly Invitae), Labcorp
Classification: Pathogenic. Last evaluated: 2025-10-20. Review status: criteria provided, single submitter. Criteria: Invitae Variant Classification Sherloc (09022015). Collection method: clinical testing. Allele origin: germline.
Comment: This sequence change creates a premature translational stop signal (p.Cys249Serfs*2) in the ZMYND11 gene. It is expected to result in an absent or disrupted protein product. Loss-of-function variants in ZMYND11 are known to be pathogenic (PMID: 25217958). This variant is present in population databases (rs772620276, gnomAD 0.002%). This premature translational stop signal has been observed in individual(s) with ZMYND11-related conditions (PMID: 39678379). ClinVar contains an entry for this variant (Variation ID: 1209429). For these reasons, this variant has been classified as Pathogenic.

PreventionGenetics, part of Exact Sciences
Classification: Likely pathogenic for ZMYND11-related condition. Last evaluated: 2025-01-22. Review status: criteria provided, single submitter. Criteria: ACMG Guidelines, 2015. Collection method: clinical testing. Allele origin: germline.
Comment: The ZMYND11 c.744_745delAT variant is predicted to result in a frameshift and premature protein termination (p.Cys249Serfs*2). This variant has been reported in an individual with developmental delay (Supplementary Dataset 5, Wang et al. 2020. PubMed ID: 33004838). This variant is reported in 0.0018% of alleles in individuals of European (Non-Finnish) descent in gnomAD. Frameshift variants in ZMYND11 are expected to be pathogenic. This variant is interpreted as likely pathogenic.

3billion
Classification: Pathogenic for Intellectual developmental disorder, autosomal dominant 30, with speech delay and behavioral abnormalities. Last evaluated: 2022-01-03. Review status: criteria provided, single submitter. Criteria: ACMG Guidelines, 2015. Collection method: clinical testing. Allele origin: germline. Affected: yes. Observed: 1 heterozygote.
Comment: Frameshift: predicted to result in a loss or disruption of normal protein function through nonsense-mediated decay (NMD) or protein truncation. Multiple pathogenic variants are reported downstream of the variant (PVS1_VS). It is observed at an extremely low frequency in the gnomAD v2.1.1 dataset (total allele frequency: 0.000008, PM2_M). The variant has been reported to be associated with ZMYND11 related disorder (ClinVar ID: VCV001209429). Therefore, this variant is classified as pathogenic according to the recommendation of ACMG/AMP guideline.

GeneDx
Classification: Pathogenic. Last evaluated: 2021-12-14. Review status: criteria provided, single submitter. Criteria: GeneDx Variant Classification Process June 2021. Collection method: clinical testing. Allele origin: germline. Affected: yes.
Comment: Frameshift variant predicted to result in protein truncation or nonsense mediated decay in a gene for which loss-of-function is a known mechanism of disease; Identified in an individual with a neurodevelopmental disorder in published literature (Wang et al., 2020); This variant is associated with the following publications: (PMID: 33004838)

Blueprint Genetics
Classification: Likely pathogenic for ZMYND11-related disorders. Last evaluated: 2021-06-28. Review status: criteria provided, single submitter. Criteria: ACMG Guidelines, 2015. Collection method: clinical testing. Allele origin: de novo. Affected: yes. Observed: 1 variant allele.

Ambry Genetics
Classification: Pathogenic for Inborn genetic diseases. Last evaluated: 2021-06-25. Review status: criteria provided, single submitter. Criteria: Ambry Variant Classification Scheme 2023. Collection method: clinical testing. Allele origin: germline.
Comment: The c.744_745delAT (p.C249Sfs*2) alteration, located in exon 1 (coding exon 1) of the ZMYND11 gene, consists of a deletion of 2 nucleotides from position 744 to 745, causing a translational frameshift with a predicted alternate stop codon after 2 amino acids. This alteration is expected to result in loss of function by premature protein truncation or nonsense-mediated mRNA decay. Based on the available evidence, this alteration is classified as pathogenic.

Literature cited by the submitters: PubMed 25217958 (cited by Labcorp Genetics (formerly Invitae), Labcorp); PubMed 39678379 (cited by Labcorp Genetics (formerly Invitae), Labcorp).

NM_001370100.5(ZMYND11):c.744_745del (p.Cys249fs)

Gene: ZMYND11 (zinc finger MYND-type containing 11; plus strand). Cytogenetic location: 10p15.3.
Variant type: Deletion.
Coding change: c.744_745del on transcript NM_001370100.5 (MANE Select); coding-DNA positions 744 to 745, 2 bases deleted (AT; older notation c.744_745delAT).
Protein change: p.Cys249fs; shifts the reading frame from cysteine 249.
Molecular consequence: frameshift variant. On other transcripts: intron variant (2).
Genome position (GRCh38, 1-based): chr10:240,102-240,103, AT deleted. VCF-style (leftmost placement, unchanged base first): chr10-240101-CAT-C. GRCh37 (hg19) VCF-style: chr10-286041-CAT-C.
Other names: c.582_583del, p.Cys195fs (NM_001202464.3, NM_001202467.1, NM_001370103.2 and 6 more transcripts); c.489_490del, p.Cys164fs (NM_001202465.3, NM_001370110.2); c.579_580del, p.Cys194fs (NM_001202466.3, NM_001370111.2); c.744_745del, p.Cys249fs (NM_001202468.1, NM_001370097.3, NM_001370098.2 and 6 more transcripts); c.693_694del, p.Cys232fs (NM_001330057.3, NM_001370112.2); c.651_652del, p.Cys218fs (NM_001370113.2, NM_001370114.2); c.741_742del, p.Cys248fs (NM_001370115.2, NM_212479.4); c.678_679del, p.Cys227fs (NM_001370116.2); and 7 more; short protein forms C155fs, C164fs, C173fs, C194fs, C195fs, C209fs, C218fs, C227fs.
Identifiers: ClinVar variation 1209429 (VCV001209429.12), dbSNP rs772620276, ClinGen allele CA5379030.